The following is an entry in ClinVar:

NM_020163.3(SEMA3G):c.1124C>G (p.Pro375Arg)

Gene: SEMA3G (semaphorin 3G; minus strand). Cytogenetic location: 3p21.1.
Variant type: single nucleotide variant.
Coding change: c.1124C>G on transcript NM_020163.3 (MANE Select); coding-DNA position 1124, C replaced by G.
Protein change: p.Pro375Arg; replaces proline 375 with arginine.
Molecular consequence: missense variant.
Genome position (GRCh38, 1-based): chr3:52,440,396, G>C on the plus strand (C>G on the coding strand, the complement: SEMA3G is on the minus strand). VCF-style: chr3-52440396-G-C. GRCh37 (hg19) VCF-style: chr3-52474412-G-C.
Other names: short protein forms P375R.
Identifiers: ClinVar variation 3345314 (VCV003345314.1).

ClinVar aggregate classification (germline): Uncertain significance (0 of 4 stars; one submission).

Conditions:
SEMA3G-related disorder. Also called: SEMA3G-related condition.

gnomAD v4.1: 2 of 1,607,760 alleles (0.00012%); highest among the groups gnomAD compares: Non-Finnish European, 0.00017%; no homozygotes.

Submission:

PreventionGenetics, part of Exact Sciences
Classification: Uncertain significance for SEMA3G-related condition. Last evaluated: 2024-07-20. Review status: no assertion criteria provided. Collection method: clinical testing. Allele origin: germline.
Comment: The SEMA3G c.1124C>G variant is predicted to result in the amino acid substitution p.Pro375Arg. To our knowledge, this variant has not been reported in the literature or in a large population database, indicating this variant is rare. At this time, the clinical significance of this variant is uncertain due to the absence of conclusive functional and genetic evidence.